The following is an entry in ClinVar:

ClinVar aggregate classification (germline): Uncertain significance (1 of 4 stars; one submission).

Conditions:
Neurofibromatosis, type 1 (NF1). Also called: VON RECKLINGHAUSEN DISEASE; Peripheral type neurofibromatosis; NEUROFIBROMATOSIS, TYPE I, SOMATIC; Neurofibromatosis, type I. Identifiers: Orphanet 636, MedGen C0027831, MONDO:0018975, OMIM 162200. Disease mechanism: loss of function.

Submission:

Labcorp Genetics (formerly Invitae), Labcorp
Classification: Uncertain significance for Neurofibromatosis, type 1. Last evaluated: 2025-01-24. Review status: criteria provided, single submitter. Criteria: Invitae Variant Classification Sherloc (09022015). Collection method: clinical testing. Allele origin: germline.
Comment: This sequence change replaces isoleucine, which is neutral and non-polar, with methionine, which is neutral and non-polar, at codon 1824 of the NF1 protein (p.Ile1824Met). This variant is not present in population databases (gnomAD no frequency). This variant has not been reported in the literature in individuals affected with NF1-related conditions. Invitae Evidence Modeling of protein sequence and biophysical properties (such as structural, functional, and spatial information, amino acid conservation, physicochemical variation, residue mobility, and thermodynamic stability) indicates that this missense variant is expected to disrupt NF1 protein function with a positive predictive value of 95%. This variant disrupts the p.Ile1824 amino acid residue in NF1. Other variant(s) that disrupt this residue have been determined to be pathogenic (internal data). This suggests that this residue is clinically significant, and that variants that disrupt this residue are likely to be disease-causing. In summary, the available evidence is currently insufficient to determine the role of this variant in disease. Therefore, it has been classified as a Variant of Uncertain Significance.

NM_001042492.3(NF1):c.5535T>G (p.Ile1845Met)

Gene: NF1 (neurofibromin 1; plus strand). Cytogenetic location: 17q11.2.
Variant type: single nucleotide variant.
Coding change: c.5535T>G on transcript NM_001042492.3 (MANE Select); coding-DNA position 5535, T replaced by G.
Protein change: p.Ile1845Met; replaces isoleucine 1845 with methionine.
Molecular consequence: missense variant.
Genome position (GRCh38, 1-based): chr17:31,327,765, T>G. VCF-style: chr17-31327765-T-G. GRCh37 (hg19) VCF-style: chr17-29654783-T-G.
Other names: c.5472T>G, p.Ile1824Met (NM_000267.4); short protein forms I1824M, I1845M.
Identifiers: ClinVar variation 3634572 (VCV003634572.2).
Genomic context (GRCh38, chr17:31,327,765, plus strand): 5'-TCATATCCGGACCCGCTGGGAACTGTCACAGCCCGACTCTATCCCCCAACACACCAAGAT[T>G]CGGCCAAAAGATGTCCCTGGGACACTGCTCAATATCGCATTACTTAATTTAGGCAGTTCT-3'
Protein context (NP_001035957.1, residues 1835-1855): QPDSIPQHTK[Ile1845Met]RPKDVPGTLL